The following is an entry in ClinVar:

ClinVar aggregate classification (germline): Uncertain significance (1 of 4 stars; one submission).

Conditions:
Cardiovascular phenotype. Identifiers: MedGen CN230736.

gnomAD v4.1: 6 of 1,613,658 alleles (0.00037%); highest among the groups gnomAD compares: East Asian, 0.0022%; no homozygotes.

Submission:

Ambry Genetics
Classification: Uncertain significance for Cardiovascular phenotype. Last evaluated: 2025-04-12. Review status: criteria provided, single submitter. Criteria: Ambry Variant Classification Scheme 2023. Collection method: clinical testing. Allele origin: germline.
Comment: The p.I1643T variant (also known as c.4928T>C), located in coding exon 19 of the AKAP9 gene, results from a T to C substitution at nucleotide position 4928. The isoleucine at codon 1643 is replaced by threonine, an amino acid with similar properties. This amino acid position is conserved. In addition, this alteration is predicted to be tolerated by in silico analysis. Based on the available evidence, the clinical significance of this variant remains unclear.

NM_005751.5(AKAP9):c.4928T>C (p.Ile1643Thr)

Genes: AKAP9 (A-kinase anchoring protein 9; plus strand), LOC121175350 (Sharpr-MPRA regulatory region 2641; plus strand). Cytogenetic location: 7q21.2.
Variant type: single nucleotide variant.
Coding change: c.4928T>C on transcript NM_005751.5 (MANE Select); coding-DNA position 4928, T replaced by C.
Protein change: p.Ile1643Thr; replaces isoleucine 1643 with threonine.
Molecular consequence: missense variant.
Genome position (GRCh38, 1-based): chr7:92,042,056, T>C. VCF-style: chr7-92042056-T-C. GRCh37 (hg19) VCF-style: chr7-91671370-T-C.
Other names: c.4928T>C, p.Ile1643Thr (NM_147185.3); short protein forms I1643T.
Identifiers: ClinVar variation 4033848 (VCV004033848.1).